The following is an entry in ClinVar:

NM_001378477.3(NYX):c.140G>T (p.Gly47Val)

Gene: NYX (nyctalopin; plus strand). Cytogenetic location: Xp11.4.
Variant type: single nucleotide variant.
Coding change: c.140G>T on transcript NM_001378477.3 (MANE Select); coding-DNA position 140, G replaced by T.
Protein change: p.Gly47Val; replaces glycine 47 with valine.
Molecular consequence: missense variant.
Genome position (GRCh38, 1-based): chrX:41,473,608, G>T. VCF-style: chrX-41473608-G-T. GRCh37 (hg19) VCF-style: chrX-41332861-G-T.
Other names: c.140G>T, p.Gly47Val (NM_022567.3); short protein forms G47V.
Identifiers: ClinVar variation 4680925 (VCV004680925.1).

ClinVar aggregate classification (germline): Uncertain significance (1 of 4 stars; one submission).

gnomAD v4.1: 2 of 1,037,944 alleles (0.00019%); highest among the groups gnomAD compares: African/African-American, 0.004%; no homozygotes.

Submission:

GeneDx
Classification: Uncertain significance. Last evaluated: 2025-06-30. Review status: criteria provided, single submitter. Criteria: GeneDx Variant Classification Process June 2021. Collection method: clinical testing. Allele origin: germline. Affected: yes.
Comment: Not observed at significant frequency in large population cohorts (gnomAD); In silico analysis supports that this missense variant has a deleterious effect on protein structure/function; Has not been previously published as pathogenic or benign to our knowledge